The following is an entry in ClinVar:

NM_022765.4(MICAL1):c.106G>A (p.Ala36Thr)

Gene: MICAL1 (microtubule associated monooxygenase, calponin and LIM domain containing 1; minus strand). Cytogenetic location: 6q21.
Variant type: single nucleotide variant.
Coding change: c.106G>A on transcript NM_022765.4 (MANE Select); coding-DNA position 106, G replaced by A.
Protein change: p.Ala36Thr; replaces alanine 36 with threonine.
Molecular consequence: missense variant.
Genome position (GRCh38, 1-based): chr6:109,454,091, C>T on the plus strand (G>A on the coding strand, the complement: MICAL1 is on the minus strand). VCF-style: chr6-109454091-C-T. GRCh37 (hg19) VCF-style: chr6-109775294-C-T.
Other names: c.106G>A, p.Ala36Thr (NM_001159291.2); c.163G>A, p.Ala55Thr (NM_001286613.2); short protein forms A36T, A55T.
Identifiers: ClinVar variation 2979398 (VCV002979398.3), dbSNP rs780842261, ClinGen allele CA3953894.

ClinVar aggregate classification (germline): Uncertain significance (1 of 4 stars; one submission).

Allele frequency attached by ClinVar (database versions not stated): ExAC 0.00001.
gnomAD v4.1: 4 of 1,613,902 alleles (0.00025%); highest among the groups gnomAD compares: Admixed American, 0.0017%; no homozygotes.

Submission:

Labcorp Genetics (formerly Invitae), Labcorp
Classification: Uncertain significance. Last evaluated: 2023-09-22. Review status: criteria provided, single submitter. Criteria: Invitae Variant Classification Sherloc (09022015). Collection method: clinical testing. Allele origin: germline.
Comment: In summary, the available evidence is currently insufficient to determine the role of this variant in disease. Therefore, it has been classified as a Variant of Uncertain Significance. Algorithms developed to predict the effect of missense changes on protein structure and function output the following: SIFT: "Not Available"; PolyPhen-2: "Benign"; Align-GVGD: "Not Available". The threonine amino acid residue is found in multiple mammalian species, which suggests that this missense change does not adversely affect protein function. This variant has not been reported in the literature in individuals affected with MICAL1-related conditions. This variant is present in population databases (rs780842261, gnomAD 0.002%). This sequence change replaces alanine, which is neutral and non-polar, with threonine, which is neutral and polar, at codon 55 of the MICAL1 protein (p.Ala55Thr).